The following is an entry in ClinVar:

ClinVar aggregate classification (germline): Likely pathogenic (1 of 4 stars; one submission).

Conditions:
Arrhythmogenic cardiomyopathy with wooly hair and keratoderma. Also called: PALMOPLANTAR KERATODERMA WITH LEFT VENTRICULAR CARDIOMYOPATHY AND WOOLLY HAIR; Carvajal syndrome; Dilated cardiomyopathy with woolly hair and keratoderma; Arrhythmogenic cardiomyopathy with woolly hair and keratoderma. Identifiers: Orphanet 65282, MedGen C1854063, MONDO:0011581, OMIM 605676.
Arrhythmogenic right ventricular dysplasia 8 (ARVD8). Also called: Arrhythmogenic Right Ventricular Dysplasia/Cardiomyopathy 8; ARRHYTHMOGENIC RIGHT VENTRICULAR DYSPLASIA, FAMILIAL, 8; ARRHYTHMOGENIC RIGHT VENTRICULAR CARDIOMYOPATHY 8. Identifiers: MedGen C1843896, MONDO:0011831, OMIM 607450.

Submission:

Labcorp Genetics (formerly Invitae), Labcorp
Classification: Likely pathogenic for Arrhythmogenic cardiomyopathy with wooly hair and keratoderma; Arrhythmogenic right ventricular dysplasia 8. Last evaluated: 2024-11-26. Review status: criteria provided, single submitter. Criteria: Invitae Variant Classification Sherloc (09022015). Collection method: clinical testing. Allele origin: germline.
Comment: This sequence change creates a premature translational stop signal (p.Tyr2731Trpfs*5) in the DSP gene. While this is not anticipated to result in nonsense mediated decay, it is expected to disrupt the last 141 amino acid(s) of the DSP protein. This variant is not present in population databases (gnomAD no frequency). This variant has not been reported in the literature in individuals affected with DSP-related conditions. This variant disrupts the C-terminus of the DSP protein. Other variant(s) that disrupt this region (p.Gln2765Alafs*23, p.Gly2812Alafs*40, p.Ser2859Leufs*6 ) have been observed in individuals with DSP-related conditions (PMID: 21859740, 32164419; internal data). This suggests that this may be a clinically significant region of the protein. In summary, the currently available evidence indicates that the variant is pathogenic, but additional data are needed to prove that conclusively. Therefore, this variant has been classified as Likely Pathogenic.

Literature cited by the submitters: PubMed 21859740; PubMed 32164419.

NM_004415.4(DSP):c.8192_8199del (p.Tyr2731fs)

Gene: DSP (desmoplakin; plus strand). Cytogenetic location: 6p24.3.
Variant type: Deletion.
Coding change: c.8192_8199del on transcript NM_004415.4 (MANE Select); coding-DNA positions 8192 to 8199, 8 bases deleted (ACCTCACG; older notation c.8192_8199delACCTCACG).
Protein change: p.Tyr2731fs; shifts the reading frame from tyrosine 2731.
Molecular consequence: frameshift variant.
Genome position (GRCh38, 1-based): chr6:7,585,454-7,585,461, ACCTCACG deleted. VCF-style (leftmost placement, unchanged base first): chr6-7585453-TACCTCACG-T. GRCh37 (hg19) VCF-style: chr6-7585686-TACCTCACG-T.
Other names: c.6395_6402del, p.Tyr2132fs (NM_001008844.3); c.6863_6870del, p.Tyr2288fs (NM_001319034.2); short protein forms Y2132fs, Y2288fs, Y2731fs.
Identifiers: ClinVar variation 3759889 (VCV003759889.2).